The following is an entry in ClinVar:

NM_003200.5(TCF3):c.532C>T (p.Pro178Ser)

Gene: TCF3 (transcription factor 3; minus strand). Cytogenetic location: 19p13.3.
Variant type: single nucleotide variant.
Coding change: c.532C>T on transcript NM_003200.5 (MANE Select); coding-DNA position 532, C replaced by T.
Protein change: p.Pro178Ser; replaces proline 178 with serine.
Molecular consequence: missense variant.
Genome position (GRCh38, 1-based): chr19:1,623,968, G>A on the plus strand (C>T on the coding strand, the complement: TCF3 is on the minus strand). VCF-style: chr19-1623968-G-A. GRCh37 (hg19) VCF-style: chr19-1623967-G-A.
Other names: c.532C>T, p.Pro178Ser (NM_001136139.4, NM_001351778.2, NM_001351779.2); short protein forms P178S.
Identifiers: ClinVar variation 2784186 (VCV002784186.3), dbSNP rs2513768233, ClinGen allele CA403056289.

ClinVar aggregate classification (germline): Uncertain significance (1 of 4 stars; one submission).

Allele frequency attached by ClinVar (database versions not stated): gnomAD exomes below 0.00001.
gnomAD v4.1: 1 of 1,613,566 alleles (0.000062%); highest among the groups gnomAD compares: Non-Finnish European, 0.000085%; no homozygotes.

Submission:

Labcorp Genetics (formerly Invitae), Labcorp
Classification: Uncertain significance. Last evaluated: 2022-12-22. Review status: criteria provided, single submitter. Criteria: Invitae Variant Classification Sherloc (09022015). Collection method: clinical testing. Allele origin: germline.
Comment: Advanced modeling of protein sequence and biophysical properties (such as structural, functional, and spatial information, amino acid conservation, physicochemical variation, residue mobility, and thermodynamic stability) performed at Invitae indicates that this missense variant is not expected to disrupt TCF3 protein function. This variant has not been reported in the literature in individuals affected with TCF3-related conditions. This variant is not present in population databases (gnomAD no frequency). This sequence change replaces proline, which is neutral and non-polar, with serine, which is neutral and polar, at codon 178 of the TCF3 protein (p.Pro178Ser). In summary, the available evidence is currently insufficient to determine the role of this variant in disease. Therefore, it has been classified as a Variant of Uncertain Significance.